The following is an entry in ClinVar:

NM_000238.4(KCNH2):c.1455C>A (p.His485Gln)

Gene: KCNH2 (potassium voltage-gated channel subfamily H member 2; minus strand). Cytogenetic location: 7q36.1.
Variant type: single nucleotide variant.
Coding change: c.1455C>A on transcript NM_000238.4 (MANE Select); coding-DNA position 1455, C replaced by A.
Protein change: p.His485Gln; replaces histidine 485 with glutamine.
Molecular consequence: missense variant. On other transcripts: non-coding transcript variant (2).
Genome position (GRCh38, 1-based): chr7:150,952,527, G>T on the plus strand (C>A on the coding strand, the complement: KCNH2 is on the minus strand). VCF-style: chr7-150952527-G-T. GRCh37 (hg19) VCF-style: chr7-150649615-G-T.
Other names: c.435C>A, p.His145Gln (NM_001204798.2, NM_172057.3); c.1167C>A, p.His389Gln (NM_001406753.1, NM_001406756.1); c.1278C>A, p.His426Gln (NM_001406755.1); c.1155C>A, p.His385Gln (NM_001406757.1); c.1455C>A, p.His485Gln (NM_172056.3); short protein forms H385Q, H389Q, H145Q, H426Q, H485Q.
Identifiers: ClinVar variation 4713363 (VCV004713363.1).

ClinVar aggregate classification (germline): Uncertain significance (1 of 4 stars; one submission).

Conditions:
Long QT syndrome (LQTS). Identifiers: MedGen C0023976, MeSH D008133, MONDO:0002442. Disease mechanism: loss of function. Inheritance: Various modes of inheritance.

Submission:

Labcorp Genetics (formerly Invitae), Labcorp
Classification: Uncertain significance for Long QT syndrome. Last evaluated: 2025-02-18. Review status: criteria provided, single submitter. Criteria: Invitae Variant Classification Sherloc (09022015). Collection method: clinical testing. Allele origin: germline.
Comment: This sequence change replaces histidine, which is basic and polar, with glutamine, which is neutral and polar, at codon 485 of the KCNH2 protein (p.His485Gln). This variant is not present in population databases (gnomAD no frequency). This variant has not been reported in the literature in individuals affected with KCNH2-related conditions. An algorithm developed to predict the effect of missense changes on protein structure and function (PolyPhen-2) suggests that this variant is likely to be tolerated. In summary, the available evidence is currently insufficient to determine the role of this variant in disease. Therefore, it has been classified as a Variant of Uncertain Significance.